The following is an entry in ClinVar:

NM_000275.3(OCA2):c.1745T>C (p.Leu582Pro)

Gene: OCA2 (OCA2 melanosomal transmembrane protein; minus strand). Cytogenetic location: 15q13.1.
Variant type: single nucleotide variant.
Coding change: c.1745T>C on transcript NM_000275.3 (MANE Select); coding-DNA position 1745, T replaced by C.
Protein change: p.Leu582Pro; replaces leucine 582 with proline.
Molecular consequence: missense variant.
Genome position (GRCh38, 1-based): chr15:27,957,627, A>G on the plus strand (T>C on the coding strand, the complement: OCA2 is on the minus strand). VCF-style: chr15-27957627-A-G. GRCh37 (hg19) VCF-style: chr15-28202773-A-G.
Other names: c.1673T>C, p.Leu558Pro (NM_001300984.2); c.1745T>C (NM_000275.2); short protein forms L582P, L558P.
Identifiers: ClinVar variation 1933808 (VCV001933808.6), dbSNP rs1393692689, ClinGen allele CA391365667.
Genomic context (GRCh38, chr15:27,957,627, plus strand): 5'-GAGCAGGACCCCGCCCGGTACCTGTGGAAGGTGTGCAGCCTCCGGGCGAGCAGGTGCTCC[A>G]GTGCCAGCACCTTCCCCAGCAGCAGGCGGCGCACAGCTGTCTCCTCGCGGCTGGCCGGGC-3'
Protein context (NP_000266.2, residues 572-592): RRLLLGKVLA[Leu582Pro]EHLLARRLHT

ClinVar aggregate classification (germline): Uncertain significance. Review status: criteria provided, single submitter (1 of 4 stars). 2 submissions from 2 submitters: Uncertain significance (1). 1 of the submissions does not count toward it. Last evaluated 2025-12-18.

Conditions:
OCA2-related disorder. Also called: OCA2-related condition.

Allele frequency attached by ClinVar (database versions not stated): gnomAD exomes below 0.00001; TOPMed 0.00001.

Submissions (2):

Labcorp Genetics (formerly Invitae), Labcorp
Classification: Uncertain significance. Last evaluated: 2025-12-18. Review status: criteria provided, single submitter. Criteria: Invitae Variant Classification Sherloc (09022015). Collection method: clinical testing. Allele origin: germline.
Comment: This sequence change replaces leucine, which is neutral and non-polar, with proline, which is neutral and non-polar, at codon 582 of the OCA2 protein (p.Leu582Pro). The frequency data for this variant in the population databases is considered unreliable, as metrics indicate poor data quality at this position in the gnomAD database. This missense change has been observed in individual(s) with autosomal recessive ocular albinism (internal data). In at least one individual the data is consistent with being in trans (on the opposite chromosome) from a pathogenic variant. ClinVar contains an entry for this variant (Variation ID: 1933808). Invitae Evidence Modeling of protein sequence and biophysical properties (such as structural, functional, and spatial information, amino acid conservation, physicochemical variation, residue mobility, and thermodynamic stability) indicates that this missense variant is not expected to disrupt OCA2 protein function with a negative predictive value of 80%. In summary, the available evidence is currently insufficient to determine the role of this variant in disease. Therefore, it has been classified as a Variant of Uncertain Significance.

PreventionGenetics, part of Exact Sciences
Classification: Uncertain significance for OCA2-related condition. Last evaluated: 2024-08-01. Review status: no assertion criteria provided. Collection method: clinical testing. Allele origin: germline. Not counted in ClinVar's aggregate classification.
Comment: The OCA2 c.1745T>C variant is predicted to result in the amino acid substitution p.Leu582Pro. To our knowledge, this variant has not been reported in the literature. This variant is not reported in one of the seven population categories in gnomAD. At this time, the clinical significance of this variant is uncertain due to the absence of conclusive functional and genetic evidence.